The following is an entry in ClinVar:

ClinVar aggregate classification (germline): Likely pathogenic (1 of 4 stars; one submission).

Conditions:
Pyle metaphyseal dysplasia (PYL). Also called: Metaphyseal dysostosis; Pyle disease. Identifiers: Orphanet 3005, MedGen C0265294, MONDO:0009943, OMIM 265900.

gnomAD v4.1: 4 of 1,614,220 alleles (0.00025%); highest among the groups gnomAD compares: Non-Finnish European, 0.00034%; no homozygotes.

Submission:

MNM Diagnostics
Classification: Likely pathogenic for Pyle metaphyseal dysplasia. Last evaluated: 2019-08-19. Review status: criteria provided, single submitter. Criteria: ACMG Guidelines, 2015. Collection method: clinical testing. Allele origin: inherited. Inheritance: Autosomal recessive inheritance. Affected: yes. Observed: 2 variant alleles.
Comment: According to ACMG Guidelines, the variant meets the following evidence of pathogenicity: PP3, PM1, PM2, PM3. Of note, the variant was identified in trans with NM_003014.3:c.373T>A variant in two patients (syblings) with Pyle's disease.

Literature cited by the submitters: PubMed 33193738.

NM_003014.4(SFRP4):c.161C>A (p.Ala54Asp)

Gene: SFRP4 (secreted frizzled related protein 4; minus strand). Cytogenetic location: 7p14.1.
Variant type: single nucleotide variant.
Coding change: c.161C>A on transcript NM_003014.4 (MANE Select); coding-DNA position 161, C replaced by A.
Protein change: p.Ala54Asp; replaces alanine 54 with aspartic acid.
Molecular consequence: missense variant.
Genome position (GRCh38, 1-based): chr7:37,916,377, G>T on the plus strand (C>A on the coding strand, the complement: SFRP4 is on the minus strand). VCF-style: chr7-37916377-G-T. GRCh37 (hg19) VCF-style: chr7-37955979-G-T.
Other names: short protein forms A54D.
Identifiers: ClinVar variation 989454 (VCV000989454.1), dbSNP rs758308395, ClinGen allele CA4222939.